The following is an entry in ClinVar:

ClinVar aggregate classification (germline): Uncertain significance (1 of 4 stars; one submission).

Allele frequency attached by ClinVar (database versions not stated): gnomAD exomes below 0.00001; gnomAD 0.00001; TOPMed 0.00002.
gnomAD v4.1: 5 of 1,577,950 alleles (0.00032%); highest among the groups gnomAD compares: Admixed American, 0.0036%; no homozygotes.

Submission:

Labcorp Genetics (formerly Invitae), Labcorp
Classification: Uncertain significance. Last evaluated: 2022-04-20. Review status: criteria provided, single submitter. Criteria: Invitae Variant Classification Sherloc (09022015). Collection method: clinical testing. Allele origin: germline.
Comment: This sequence change falls in intron 8 of the COQ8A gene. It does not directly change the encoded amino acid sequence of the COQ8A protein. It affects a nucleotide within the consensus splice site. The frequency data for this variant in the population databases is considered unreliable, as metrics indicate poor data quality at this position in the gnomAD database. This variant has not been reported in the literature in individuals affected with COQ8A-related conditions. Variants that disrupt the consensus splice site are a relatively common cause of aberrant splicing (PMID: 17576681, 9536098). Algorithms developed to predict the effect of sequence changes on RNA splicing suggest that this variant is not likely to affect RNA splicing. In summary, the available evidence is currently insufficient to determine the role of this variant in disease. Therefore, it has been classified as a Variant of Uncertain Significance.

Literature cited by the submitters: PubMed 17576681; PubMed 9536098.

NM_020247.5(COQ8A):c.1080+5G>A

Gene: COQ8A (coenzyme Q8A; plus strand). Cytogenetic location: 1q42.13.
Variant type: single nucleotide variant.
Coding change: c.1080+5G>A on transcript NM_020247.5 (MANE Select); 5 bases into the intron after coding-DNA position 1080, G replaced by A.
Molecular consequence: intron variant.
Genome position (GRCh38, 1-based): chr1:226,983,039, G>A. VCF-style: chr1-226983039-G-A. GRCh37 (hg19) VCF-style: chr1-227170740-G-A.
Identifiers: ClinVar variation 1980561 (VCV001980561.1), dbSNP rs765243814, ClinGen allele CA38645532.